The following is an entry in ClinVar:

NM_032242.4(PLXNA1):c.3460C>T (p.Pro1154Ser)

Gene: PLXNA1 (plexin A1; plus strand). Cytogenetic location: 3q21.3.
Variant type: single nucleotide variant.
Coding change: c.3460C>T on transcript NM_032242.4 (MANE Select); coding-DNA position 3460, C replaced by T.
Protein change: p.Pro1154Ser; replaces proline 1154 with serine.
Molecular consequence: missense variant.
Genome position (GRCh38, 1-based): chr3:127,017,608, C>T. VCF-style: chr3-127017608-C-T. GRCh37 (hg19) VCF-style: chr3-126736451-C-T.
Other names: c.3460C>T (NM_032242.3); short protein forms P1154S.
Identifiers: ClinVar variation 3625274 (VCV003625274.4).

ClinVar aggregate classification (germline): Uncertain significance. Review status: criteria provided, multiple submitters, no conflicts (2 of 4 stars). 3 submissions from 3 submitters: Uncertain significance (3). Last evaluated 2026-04-07.

Conditions:
PLXNA1-related disorder. Also called: PLXNA1-related condition.

gnomAD v4.1: 47 of 1,613,722 alleles (0.0029%); highest among the groups gnomAD compares: Admixed American, 0.032%; no homozygotes.

Submissions (3):

PreventionGenetics, part of Exact Sciences
Classification: Uncertain significance for PLXNA1-related condition. Last evaluated: 2026-04-07. Review status: criteria provided, single submitter. Criteria: ACMG Guidelines, 2015. Collection method: clinical testing. Allele origin: germline.
Comment: The PLXNA1 c.3460C>T variant is predicted to result in the amino acid substitution p.Pro1154Ser. To our knowledge, this variant has not been reported in the literature. This variant is reported in 0.032% of alleles in individuals of Latino descent in gnomAD. At this time, the clinical significance of this variant is uncertain due to the absence of conclusive functional and genetic evidence.

Ambry Genetics
Classification: Uncertain significance. Last evaluated: 2025-04-02. Review status: criteria provided, single submitter. Criteria: Ambry Variant Classification Scheme 2023. Collection method: clinical testing. Allele origin: germline.

Labcorp Genetics (formerly Invitae), Labcorp
Classification: Uncertain significance. Last evaluated: 2024-05-23. Review status: criteria provided, single submitter. Criteria: Invitae Variant Classification Sherloc (09022015). Collection method: clinical testing. Allele origin: germline.
Comment: This sequence change replaces proline, which is neutral and non-polar, with serine, which is neutral and polar, at codon 1154 of the PLXNA1 protein (p.Pro1154Ser). This variant is present in population databases (rs529316847, gnomAD 0.03%). This variant has not been reported in the literature in individuals affected with PLXNA1-related conditions. An algorithm developed to predict the effect of missense changes on protein structure and function (PolyPhen-2) suggests that this variant is likely to be tolerated. In summary, the available evidence is currently insufficient to determine the role of this variant in disease. Therefore, it has been classified as a Variant of Uncertain Significance.